The following is an entry in ClinVar:

NM_001927.4(DES):c.109C>G (p.Arg37Gly)

Gene: DES (desmin; plus strand). Cytogenetic location: 2q35.
Variant type: single nucleotide variant.
Coding change: c.109C>G on transcript NM_001927.4 (MANE Select); coding-DNA position 109, C replaced by G.
Protein change: p.Arg37Gly; replaces arginine 37 with glycine.
Molecular consequence: missense variant.
Genome position (GRCh38, 1-based): chr2:219,418,571, C>G. VCF-style: chr2-219418571-C-G. GRCh37 (hg19) VCF-style: chr2-220283293-C-G.
Other names: c.109C>G (LRG_380t1); short protein forms R37G.
Identifiers: ClinVar variation 418796 (VCV000418796.13), dbSNP rs537881554, ClinGen allele CA2125023.

ClinVar aggregate classification (germline): Uncertain significance. Review status: criteria provided, multiple submitters, no conflicts (2 of 4 stars). 4 submissions from 4 submitters: Uncertain significance (4). Last evaluated 2025-11-02.

Conditions:
Cardiovascular phenotype. Identifiers: MedGen CN230736.
Desmin-related myofibrillar myopathy (MFM1). Also called: Desminopathy; DESMIN-RELATED MYOPATHY WITH ARRHYTHMOGENIC RIGHT VENTRICULAR CARDIOMYOPATHY; Desmin related myopathy (former name); Desmin storage myopathy (former name); MYOFIBRILLAR MYOPATHY WITH ARRHYTHMOGENIC RIGHT VENTRICULAR CARDIOMYOPATHY; Myofibrillar myopathy 1. Identifiers: Orphanet 363543, Orphanet 98909, MedGen C1832370, MONDO:0011076, OMIM 601419.
Dilated cardiomyopathy 1I (CMD1I). Identifiers: Orphanet 154, MedGen C1858154, MONDO:0011482, OMIM 604765.
Neurogenic scapuloperoneal syndrome, Kaeser type (SCPNK). Also called: KAESER SYNDROME. Identifiers: Orphanet 85146, MedGen C1867005, MONDO:0008407, OMIM 181400.

gnomAD v4.1: 9 of 1,603,656 alleles (0.00056%); highest among the groups gnomAD compares: Non-Finnish European, 0.00077%; no homozygotes.

Submissions (4):

Labcorp Genetics (formerly Invitae), Labcorp
Classification: Uncertain significance for Desmin-related myofibrillar myopathy. Last evaluated: 2025-11-02. Review status: criteria provided, single submitter. Criteria: Invitae Variant Classification Sherloc (09022015). Collection method: clinical testing. Allele origin: germline.
Comment: This sequence change replaces arginine, which is basic and polar, with glycine, which is neutral and non-polar, at codon 37 of the DES protein (p.Arg37Gly). The frequency data for this variant in the population databases is considered unreliable, as metrics indicate poor data quality at this position in the gnomAD database. This variant has not been reported in the literature in individuals affected with DES-related conditions. ClinVar contains an entry for this variant (Variation ID: 418796). Invitae Evidence Modeling of protein sequence and biophysical properties (such as structural, functional, and spatial information, amino acid conservation, physicochemical variation, residue mobility, and thermodynamic stability) indicates that this missense variant is not expected to disrupt DES protein function with a negative predictive value of 80%. In summary, the available evidence is currently insufficient to determine the role of this variant in disease. Therefore, it has been classified as a Variant of Uncertain Significance.

Ambry Genetics
Classification: Uncertain significance for Cardiovascular phenotype. Last evaluated: 2024-01-16. Review status: criteria provided, single submitter. Criteria: Ambry Variant Classification Scheme 2023. Collection method: clinical testing. Allele origin: germline.
Comment: The p.R37G variant (also known as c.109C>G), located in coding exon 1 of the DES gene, results from a C to G substitution at nucleotide position 109. The arginine at codon 37 is replaced by glycine, an amino acid with dissimilar properties. This amino acid position is conserved. In addition, the in silico prediction for this alteration is inconclusive. Since supporting evidence is limited at this time, the clinical significance of this alteration remains unclear.

Fulgent Genetics
Classification: Uncertain significance for Neurogenic scapuloperoneal syndrome, Kaeser type; Desmin-related myofibrillar myopathy; Dilated cardiomyopathy 1I. Last evaluated: 2021-07-05. Review status: criteria provided, single submitter. Criteria: ACMG Guidelines, 2015. Collection method: clinical testing. Allele origin: unknown.

GeneDx
Classification: Uncertain significance. Last evaluated: 2017-02-16. Review status: criteria provided, single submitter. Criteria: GeneDx Variant Classification (06012015). Collection method: clinical testing. Allele origin: germline. Affected: yes.
Comment: The R37G variant of uncertain significance in the DES gene has not been published as pathogenic or been reported as benign to our knowledge. R37G is not observed at a significant frequency in large population cohorts (Lek et al., 2016; 1000 Genomes Consortium et al., 2015; Exome Variant Server). The R37G variant is a non-conservative amino acid substitution, which is likely to impact secondary protein structure as these residues differ in polarity, charge, size and/or other properties. In addition, this substitution occurs at a position that is conserved in mammals. However, in silico analysis is inconsistent in its predictions as to whether or not the variant is damaging to the protein structure/function.